The following is an entry in ClinVar:

NM_172351.3(CD46):c.454G>A (p.Gly152Ser)

Gene: CD46 (CD46 molecule; plus strand). Cytogenetic location: 1q32.2.
Variant type: single nucleotide variant.
Coding change: c.454G>A on transcript NM_172351.3 (MANE Select); coding-DNA position 454, G replaced by A.
Protein change: p.Gly152Ser; replaces glycine 152 with serine.
Molecular consequence: missense variant.
Genome position (GRCh38, 1-based): chr1:207,759,703, G>A. VCF-style: chr1-207759703-G-A. GRCh37 (hg19) VCF-style: chr1-207933048-G-A.
Other names: c.454G>A, p.Gly152Ser (NM_002389.4, NM_153826.4, NM_172350.3 and 8 more transcripts); short protein forms G152S.
Identifiers: ClinVar variation 2080468 (VCV002080468.4), dbSNP rs374175612, ClinGen allele CA1371628.

ClinVar aggregate classification (germline): Uncertain significance (1 of 4 stars; one submission).

Allele frequency attached by ClinVar (database versions not stated): TOPMed 0.00002; gnomAD 0.00003; ExAC 0.00004; ESP Exome Variant Server 0.00008.
gnomAD v4.1: 35 of 1,605,246 alleles (0.0022%); highest among the groups gnomAD compares: Admixed American, 0.015%; no homozygotes.

Submission:

Labcorp Genetics (formerly Invitae), Labcorp
Classification: Uncertain significance. Last evaluated: 2024-10-07. Review status: criteria provided, single submitter. Criteria: Invitae Variant Classification Sherloc (09022015). Collection method: clinical testing. Allele origin: germline.
Comment: This sequence change replaces glycine, which is neutral and non-polar, with serine, which is neutral and polar, at codon 152 of the CD46 protein (p.Gly152Ser). This variant is present in population databases (rs374175612, gnomAD 0.02%). This variant has not been reported in the literature in individuals affected with CD46-related conditions. ClinVar contains an entry for this variant (Variation ID: 2080468). Invitae Evidence Modeling of protein sequence and biophysical properties (such as structural, functional, and spatial information, amino acid conservation, physicochemical variation, residue mobility, and thermodynamic stability) indicates that this missense variant is not expected to disrupt CD46 protein function with a negative predictive value of 80%. In summary, the available evidence is currently insufficient to determine the role of this variant in disease. Therefore, it has been classified as a Variant of Uncertain Significance.